The following is an entry in ClinVar:

NM_014991.6(WDFY3):c.9199G>A (p.Asp3067Asn)

Genes: WDFY3 (WD repeat and FYVE domain containing 3; minus strand), LOC126807101 (CDK7 strongly-dependent group 2 enhancer GRCh37_chr4:85612241-85613440; plus strand). Cytogenetic location: 4q21.23.
Variant type: single nucleotide variant.
Coding change: c.9199G>A on transcript NM_014991.6 (MANE Select); coding-DNA position 9199, G replaced by A.
Protein change: p.Asp3067Asn; replaces aspartic acid 3067 with asparagine.
Molecular consequence: missense variant.
Genome position (GRCh38, 1-based): chr4:84,691,636, C>T on the plus strand (G>A on the coding strand, the complement: WDFY3 is on the minus strand). VCF-style: chr4-84691636-C-T. GRCh37 (hg19) VCF-style: chr4-85612789-C-T.
Other names: short protein forms D3067N.
Identifiers: ClinVar variation 3368328 (VCV003368328.1).

ClinVar aggregate classification (germline): Uncertain significance (1 of 4 stars; one submission).

Submission:

GeneDx
Classification: Uncertain significance. Last evaluated: 2024-01-24. Review status: criteria provided, single submitter. Criteria: GeneDx Variant Classification Process June 2021. Collection method: clinical testing. Allele origin: germline. Affected: yes.
Comment: Not observed at significant frequency in large population cohorts (gnomAD); In silico analysis supports that this missense variant has a deleterious effect on protein structure/function; Has not been previously published as pathogenic or benign to our knowledge